The following is an entry in ClinVar:

ClinVar aggregate classification (germline): Uncertain significance (1 of 4 stars; one submission).

Conditions:
Developmental delay with autism spectrum disorder and gait instability (MRT38). Also called: Intellectual developmental disorder, autosomal recessive 38. Identifiers: Orphanet 329195, MedGen C3809753, MONDO:0014224, OMIM 615516.

gnomAD v4.1: 8 of 1,614,056 alleles (0.0005%); highest among the groups gnomAD compares: Non-Finnish European, 0.00068%; no homozygotes.

Submission:

Neuberg Centre For Genomic Medicine, NCGM
Classification: Uncertain significance for Developmental delay with autism spectrum disorder and gait instability. Last evaluated: 2023-06-22. Review status: criteria provided, single submitter. Criteria: ACMG Guidelines, 2015. Collection method: clinical testing. Allele origin: germline. Inheritance: Autosomal recessive inheritance. Affected: yes.
Comment: The observed missense c.793G>A (p.Val265Met) variant in HERC2 gene has not been reported previously as a pathogenic variant nor as a benign variant, to our knowledge. The p.Val265Met variant is present with allele frequency of 0.0004% in gnomAD Exomes. This variant has not been submitted to the ClinVar database. Multiple lines of computational evidence (Polyphen - Benign, SIFT - Damaging and Mutation Taster - Polymorphism) predicts conflicting evidence on protein structure and function for this variant. The reference amino acid at this position on HERC2 gene is predicted as conserved by GERP++ and PhyloP across 100 vertebrates. The amino acid Val at position 265 is changed to a Met changing protein sequence and it might alter its composition and physico-chemical properties. For these reasons, this variant has been classified as Variant of Uncertain Significance (VUS).

NM_004667.6(HERC2):c.793G>A (p.Val265Met)

Gene: HERC2 (HECT and RLD domain containing E3 ubiquitin protein ligase 2; minus strand). Cytogenetic location: 15q13.1.
Variant type: single nucleotide variant.
Coding change: c.793G>A on transcript NM_004667.6 (MANE Select); coding-DNA position 793, G replaced by A.
Protein change: p.Val265Met; replaces valine 265 with methionine.
Molecular consequence: missense variant.
Genome position (GRCh38, 1-based): chr15:28,274,298, C>T on the plus strand (G>A on the coding strand, the complement: HERC2 is on the minus strand). VCF-style: chr15-28274298-C-T. GRCh37 (hg19) VCF-style: chr15-28519444-C-T.
Other names: short protein forms V265M.
Identifiers: ClinVar variation 3603268 (VCV003603268.1).